The following is an entry in ClinVar:

ClinVar aggregate classification (germline): Conflicting classifications of pathogenicity. Review status: criteria provided, conflicting classifications (1 of 4 stars). 4 submissions from 4 submitters: Uncertain significance (3); Likely benign (1). Last evaluated 2025-12-03.

Conditions:
Hypokalemic periodic paralysis, type 1. Also called: Hypokalemic Periodic Paralysis Type 1 (AD); HypoPP. Identifiers: Orphanet 681, MedGen C3714580, MONDO:0042979, OMIM 170400.
Malignant hyperthermia, susceptibility to, 5 (MHS5). Also called: CACNA1S-Related Malignant Hyperthermia Susceptibility. Identifiers: Orphanet 423, MedGen C1866077, MONDO:0011163, OMIM 601887.

Allele frequency attached by ClinVar (database versions not stated): gnomAD exomes 0.00001; ExAC 0.00002.
gnomAD v4.1: 5 of 1,614,164 alleles (0.00031%); highest among the groups gnomAD compares: South Asian, 0.0033%; no homozygotes.

Submissions (4):

Labcorp Genetics (formerly Invitae), Labcorp
Classification: Likely benign for Hypokalemic periodic paralysis, type 1; Malignant hyperthermia, susceptibility to, 5. Last evaluated: 2025-12-03. Review status: criteria provided, single submitter. Criteria: Invitae Variant Classification Sherloc (09022015). Collection method: clinical testing. Allele origin: germline.

GeneDx
Classification: Uncertain significance. Last evaluated: 2025-06-20. Review status: criteria provided, single submitter. Criteria: GeneDx Variant Classification Process June 2021. Collection method: clinical testing. Allele origin: germline. Affected: yes.
Comment: Not observed at significant frequency in large population cohorts (gnomAD); In silico analysis supports that this missense variant has a deleterious effect on protein structure/function; Has not been previously published as pathogenic or benign to our knowledge

All of Us Research Program, National Institutes of Health
Classification: Uncertain significance for Malignant hyperthermia, susceptibility to, 5. Last evaluated: 2024-02-05. Review status: criteria provided, single submitter. Criteria: ACMG Guidelines, 2015. Collection method: clinical testing. Allele origin: germline. Inheritance: Autosomal dominant inheritance. Observed: 6 variant alleles, 6 heterozygotes.
Comment: This missense variant replaces asparagine with serine at codon 1027 of the CACNA1S protein. Computational prediction suggests that this variant may not impact protein structure and function (internally defined REVEL score threshold <= 0.5, PMID: 27666373). To our knowledge, functional studies have not been reported for this variant. This variant has not been reported in individuals affected with CACNA1S-related disorders in the literature. This variant has been identified in 2/251286 chromosomes in the general population by the Genome Aggregation Database (gnomAD). The available evidence is insufficient to determine the role of this variant in disease conclusively. Therefore, this variant is classified as a Variant of Uncertain Significance.

This study involves interpretation of variants in research participants for the purpose of population health screening. Participant phenotype was not available at the time of variant classification. Additional details can be found in publication PMID: 35346344, PMCID: PMC8962531

Illumina Laboratory Services, Illumina
Classification: Uncertain significance for Hypokalemic periodic paralysis, type 1. Last evaluated: 2018-01-12. Review status: criteria provided, single submitter. Criteria: ICSL Variant Classification Criteria 13 December 2019. Collection method: clinical testing. Allele origin: germline.

NM_000069.3(CACNA1S):c.3080A>G (p.Asn1027Ser)

Gene: CACNA1S (calcium voltage-gated channel subunit alpha1 S; minus strand). Cytogenetic location: 1q32.1.
Variant type: single nucleotide variant.
Coding change: c.3080A>G on transcript NM_000069.3 (MANE Select); coding-DNA position 3080, A replaced by G.
Protein change: p.Asn1027Ser; replaces asparagine 1027 with serine.
Molecular consequence: missense variant.
Genome position (GRCh38, 1-based): chr1:201,061,442, T>C on the plus strand (A>G on the coding strand, the complement: CACNA1S is on the minus strand). VCF-style: chr1-201061442-T-C. GRCh37 (hg19) VCF-style: chr1-201030570-T-C.
Other names: short protein forms N1027S.
Identifiers: ClinVar variation 876660 (VCV000876660.15), dbSNP rs757112281, ClinGen allele CA079536.